The following is an entry in ClinVar:

NM_000138.5(FBN1):c.7806G>A (p.Trp2602Ter)

Gene: FBN1 (fibrillin 1; minus strand). Cytogenetic location: 15q21.1.
Variant type: single nucleotide variant.
Coding change: c.7806G>A on transcript NM_000138.5 (MANE Select); coding-DNA position 7806, G replaced by A.
Protein change: p.Trp2602Ter; replaces tryptophan 2602 with a stop codon.
Molecular consequence: nonsense.
Genome position (GRCh38, 1-based): chr15:48,420,700, C>T on the plus strand (G>A on the coding strand, the complement: FBN1 is on the minus strand). VCF-style: chr15-48420700-C-T. GRCh37 (hg19) VCF-style: chr15-48712897-C-T.
Other names: p.W2602X:TGG>TGA; short protein forms W2602*.
Identifiers: ClinVar variation 36119 (VCV000036119.25), dbSNP rs193922236, ClinGen allele CA017375.

ClinVar aggregate classification (germline): Pathogenic/Likely pathogenic. Review status: criteria provided, multiple submitters, no conflicts (2 of 4 stars). 4 submissions from 4 submitters: Pathogenic (3); Likely pathogenic (1). Last evaluated 2021-03-01.

Conditions:
Familial thoracic aortic aneurysm and aortic dissection (TAAD). Also called: Thoracic aortic aneurysms and dissections. Identifiers: Orphanet 91387, MedGen C4707243, MONDO:0019625.
Marfan syndrome (MFS). Also called: FBN1-Related Marfan Syndrome; Marfan syndrome type 1; Marfan's syndrome; Marfan syndrome, classic; MARFAN SYNDROME, TYPE I. Identifiers: Orphanet 284963, Orphanet 558, MedGen C0024796, MONDO:0007947, OMIM 154700.

Submissions (4):

Centre of Medical Genetics, University of Antwerp
Classification: Pathogenic for Marfan syndrome. Last evaluated: 2021-03-01. Review status: criteria provided, single submitter. Criteria: Submitter's publication. Collection method: research. Allele origin: unknown. Affected: yes.
Comment: PM2, PVS1, PP4

Ambry Genetics
Classification: Pathogenic for Familial thoracic aortic aneurysm and aortic dissection. Last evaluated: 2016-03-04. Review status: criteria provided, single submitter. Criteria: Ambry Variant Classification Scheme 2023. Collection method: clinical testing. Allele origin: germline.
Comment: The p.W2602* pathogenic mutation (also known as c.7806G>A), located in coding exon 62 of the FBN1 gene, results from a G to A substitution at nucleotide position 7806. This changes the amino acid from a tryptophan to a stop codon within coding exon 62. This mutation was detected in one individual with classic Marfan syndrome (Stheneur C, Eur. J. Hum. Genet. 2009 Sep; 17(9):1121-8). In addition to the clinical data presented in the literature, since premature stop codons are typically deleterious in nature, this alteration is interpreted as a disease-causing mutation (ACMG Recommendations for Standards for Interpretation and Reporting of Sequence Variations. Revision 2007. Genet Med. 2008;10:294).

GeneDx
Classification: Pathogenic. Last evaluated: 2012-11-27. Review status: criteria provided, single submitter. Criteria: GeneDx Variant Classification (06012015). Collection method: clinical testing. Allele origin: germline. Affected: yes.
Comment: c.7806 G>A (TGG>TGA): p.Trp2602Stop in exon 63 of the FBN1 gene (NM_000138.4) The Trp2602Stop mutation in the FBN1 gene has been reported as a de novo mutation in one individual with classic Marfan syndrome (Stheneur C et al., 2009). Trp2602Stop is predicted to cause loss of normal protein function either by protein truncation or nonsense-mediated mRNA decay. Other nonsense mutations in the FBN1 gene have been reported in association with Marfan syndrome.The variant is found in TAAD panel(s).

Women's Health and Genetics/Laboratory Corporation of America, LabCorp
Classification: Likely pathogenic for Marfan Syndrome. Last evaluated: 2011-08-18. Review status: criteria provided, single submitter. Criteria: LabCorp Variant Classification Summary - May 2015. Collection method: curation, clinical testing. Allele origin: germline. Inheritance: autosomal unknown. Affected: yes.
ClinVar note: Converted during submission from likely pathogenic to Likely pathogenic.

Literature cited by the submitters: PubMed 19293843 (cited by Ambry Genetics).